The following is an entry in ClinVar:

ClinVar aggregate classification (germline): Uncertain significance (1 of 4 stars; one submission).

gnomAD v4.1: 4 of 1,613,932 alleles (0.00025%); highest among the groups gnomAD compares: South Asian, 0.0033%; no homozygotes.

Submission:

Labcorp Genetics (formerly Invitae), Labcorp
Classification: Uncertain significance. Last evaluated: 2024-08-13. Review status: criteria provided, single submitter. Criteria: Invitae Variant Classification Sherloc (09022015). Collection method: clinical testing. Allele origin: germline.
Comment: This sequence change replaces tyrosine, which is neutral and polar, with histidine, which is basic and polar, at codon 313 of the RP1 protein (p.Tyr313His). This variant is not present in population databases (gnomAD no frequency). This variant has not been reported in the literature in individuals affected with RP1-related conditions. An algorithm developed to predict the effect of missense changes on protein structure and function outputs the following: PolyPhen-2: "Benign". The histidine amino acid residue is found in multiple mammalian species, which suggests that this missense change does not adversely affect protein function. In summary, the available evidence is currently insufficient to determine the role of this variant in disease. Therefore, it has been classified as a Variant of Uncertain Significance.

NM_006269.2(RP1):c.937T>C (p.Tyr313His)

Gene: RP1 (RP1 axonemal microtubule associated; plus strand). Cytogenetic location: 8q12.1.
Variant type: single nucleotide variant.
Coding change: c.937T>C on transcript NM_006269.2 (MANE Select); coding-DNA position 937, T replaced by C.
Protein change: p.Tyr313His; replaces tyrosine 313 with histidine.
Molecular consequence: missense variant. On other transcripts: intron variant (1).
Genome position (GRCh38, 1-based): chr8:54,624,819, T>C. VCF-style: chr8-54624819-T-C. GRCh37 (hg19) VCF-style: chr8-55537379-T-C.
Other names: c.787+2531T>C (NM_001375654.1); short protein forms Y313H.
Identifiers: ClinVar variation 3627840 (VCV003627840.2).